The following is an entry in ClinVar:

ClinVar aggregate classification (germline): Conflicting classifications of pathogenicity. Review status: criteria provided, conflicting classifications (1 of 4 stars). 8 submissions from 8 submitters: Likely pathogenic (1); Uncertain significance (7). Last evaluated 2025-10-09.

Conditions:
Cardiovascular phenotype. Identifiers: MedGen CN230736.
Hypertrophic cardiomyopathy 2. Also called: TNNT2-Related Familial Hypertrophic Cardiomyopathy. Identifiers: MedGen C1861864, MONDO:0007266, OMIM 115195.
Cardiomyopathy, familial restrictive, 3. Identifiers: Orphanet 75249, MedGen C2676271, MONDO:0012900, OMIM 612422.
Dilated cardiomyopathy 1D. Identifiers: Orphanet 154, Orphanet 54260, MedGen C1832243, MONDO:0011095, OMIM 601494.
Cardiomyopathy (CMYO). Also called: Cardiomyopathies. Identifiers: Orphanet 167848, MedGen C0878544, MONDO:0004994, HP:0001638. Inheritance: Various modes of inheritance.

Allele frequency attached by ClinVar (database versions not stated): gnomAD exomes 0.00001 and 0.00002; ExAC 0.00002; TOPMed 0.00003; gnomAD 0.00004.
gnomAD v4.1: 16 of 1,613,876 alleles (0.00099%); highest among the groups gnomAD compares: East Asian, 0.0022%; no homozygotes.

Submissions (8):

Labcorp Genetics (formerly Invitae), Labcorp
Classification: Uncertain significance for Cardiomyopathy, familial restrictive, 3; Hypertrophic cardiomyopathy 2; Dilated cardiomyopathy 1D. Last evaluated: 2025-10-09. Review status: criteria provided, single submitter. Criteria: Invitae Variant Classification Sherloc (09022015). Collection method: clinical testing. Allele origin: germline.
Comment: This sequence change replaces asparagine, which is neutral and polar, with serine, which is neutral and polar, at codon 73 of the TNNT2 protein (p.Asn73Ser). This variant is present in population databases (rs397516450, gnomAD 0.006%). This missense change has been observed in individual(s) with dilated cardiomyopathy (PMID: 22464770, 31737537). ClinVar contains an entry for this variant (Variation ID: 43618). Invitae Evidence Modeling of protein sequence and biophysical properties (such as structural, functional, and spatial information, amino acid conservation, physicochemical variation, residue mobility, and thermodynamic stability) indicates that this missense variant is not expected to disrupt TNNT2 protein function with a negative predictive value of 80%. In summary, the available evidence is currently insufficient to determine the role of this variant in disease. Therefore, it has been classified as a Variant of Uncertain Significance.

Color Diagnostics, LLC DBA Color Health
Classification: Uncertain significance for Cardiomyopathy. Last evaluated: 2025-09-22. Review status: criteria provided, single submitter. Criteria: ACMG Guidelines, 2015. Collection method: clinical testing. Allele origin: germline.
Comment: This missense variant replaces asparagine with serine at codon 73 of the TNNT2 protein. Computational prediction suggests that this variant may not impact protein structure and function. To our knowledge, functional studies have not been reported for this variant. This variant has been reported in individuals affected with dilated cardiomyopathy (PMID: 22464770, 31737537). This variant has been identified in 6/250952 chromosomes in the general population by the Genome Aggregation Database (gnomAD). The available evidence is insufficient to determine the role of this variant in disease conclusively. Therefore, this variant is classified as a Variant of Uncertain Significance.

All of Us Research Program, National Institutes of Health
Classification: Uncertain significance for Cardiomyopathy. Last evaluated: 2024-09-23. Review status: criteria provided, single submitter. Criteria: ACMG Guidelines, 2015. Collection method: clinical testing. Allele origin: germline. Inheritance: Autosomal dominant inheritance. Observed: 8 variant alleles, 8 heterozygotes.
Comment: This missense variant replaces asparagine with serine at codon 73 of the TNNT2 protein. Computational prediction suggests that this variant may not impact protein structure and function (internally defined REVEL score threshold <= 0.5, PMID: 27666373). To our knowledge, functional studies have not been reported for this variant. This variant has been reported in at least 2 individuals affected with dilated cardiomyopathy (PMID: 22464770, 31737537). This variant has been identified in 6/250952 chromosomes in the general population by the Genome Aggregation Database (gnomAD). The available evidence is insufficient to determine the role of this variant in disease conclusively. Therefore, this variant is classified as a Variant of Uncertain Significance.

This study involves interpretation of variants in research participants for the purpose of population health screening. Participant phenotype was not available at the time of variant classification. Additional details can be found in publication PMID: 35346344, PMCID: PMC8962531

Ambry Genetics
Classification: Uncertain significance for Cardiovascular phenotype. Last evaluated: 2024-09-17. Review status: criteria provided, single submitter. Criteria: Ambry Variant Classification Scheme 2023. Collection method: clinical testing. Allele origin: germline.
Comment: The p.N73S variant (also known as c.218A>G), located in coding exon 7 of the TNNT2 gene, results from an A to G substitution at nucleotide position 218. The asparagine at codon 73 is replaced by serine, an amino acid with highly similar properties. This variant was detected in one individual from a dilated cardiomyopathy cohort; however, clinical details were limited (Lakdawala NK et al. J. Card. Fail., 2012 Apr;18:296-303). This variant has also been reported in an exome cohort (Kurzlechner LM et al. J Pers Med, 2022 Apr;12:). This amino acid position is well conserved in available vertebrate species. In addition, the in silico prediction for this alteration is inconclusive. Since supporting evidence is limited at this time, the clinical significance of this alteration remains unclear.

Fulgent Genetics
Classification: Uncertain significance for Hypertrophic cardiomyopathy 2; Dilated cardiomyopathy 1D; Cardiomyopathy, familial restrictive, 3. Last evaluated: 2024-06-12. Review status: criteria provided, single submitter. Criteria: ACMG Guidelines, 2015. Collection method: clinical testing. Allele origin: germline.

Laboratory for Molecular Medicine, Mass General Brigham Personalized Medicine
Classification: Uncertain significance. Last evaluated: 2017-10-05. Review status: criteria provided, single submitter. Criteria: LMM Criteria. Collection method: clinical testing. Allele origin: germline. Observed: 2 variant alleles.
Comment: Needs reassessment: Evidence points to VUS

Institute of Human Genetics, University of Leipzig Medical Center
Classification: Likely pathogenic for Dilated cardiomyopathy 1D. Last evaluated: 2017-06-29. Review status: criteria provided, single submitter. Criteria: ACMG Guidelines, 2015. Collection method: clinical testing. Allele origin: germline. Affected: yes. Observed: 1 variant allele.

Center for Genomics, Ann and Robert H. Lurie Children's Hospital of Chicago
Classification: Uncertain significance for Dilated cardiomyopathy 1D; Hypertrophic cardiomyopathy 2; Cardiomyopathy, familial restrictive, 3. Review status: criteria provided, single submitter. Criteria: ACMG Guidelines, 2015. Collection method: clinical testing. Allele origin: germline.
Comment: TNNT2 NM_001001430.2 exon 8 p.Asn73Ser (c.218A>G): This variant has been reported in the literature in at least 1 individual with dilated cardiomyopathy (DCM) (Lakdawala 2012 PMID:22464770). This variant is present in 1/17246 East Asian alleles in the Genome Aggregation Database. This variant is present in ClinVar (Variation ID:43618). Evolutionary conservation and computational predictive tools suggest that this variant may impact the protein. In summary, data on this variant is insufficient for disease classification. Therefore, the clinical significance of this variant is uncertain.

Literature cited by the submitters: PubMed 22464770 (cited by 4 submitters); PubMed 31737537 (cited by 3 submitters); PubMed 35629155 (cited by Ambry Genetics).

NM_001276345.2(TNNT2):c.248A>G (p.Asn83Ser)

Gene: TNNT2 (troponin T2, cardiac type; minus strand). Cytogenetic location: 1q32.1.
Variant type: single nucleotide variant.
Coding change: c.248A>G on transcript NM_001276345.2 (MANE Select); coding-DNA position 248, A replaced by G.
Protein change: p.Asn83Ser; replaces asparagine 83 with serine.
Molecular consequence: missense variant.
Genome position (GRCh38, 1-based): chr1:201,365,656, T>C on the plus strand (A>G on the coding strand, the complement: TNNT2 is on the minus strand). VCF-style: chr1-201365656-T-C. GRCh37 (hg19) VCF-style: chr1-201334784-T-C.
Other names: c.248A>G, p.Asn83Ser (NM_000364.4); c.218A>G, p.Asn73Ser (NM_001001430.3, NM_001001431.3, NM_001276347.2); c.203A>G, p.Asn68Ser (NM_001001432.3); c.245A>G, p.Asn82Ser (NM_001276346.2); short protein forms N73S, N83S, N82S, N68S.
Identifiers: ClinVar variation 43618 (VCV000043618.26), dbSNP rs397516450, ClinGen allele CA088088.